The following is an entry in ClinVar:

NM_004656.4(BAP1):c.1393A>C (p.Ile465Leu)

Gene: BAP1 (BRCA1 associated deubiquitinase 1; minus strand). Cytogenetic location: 3p21.1.
Variant type: single nucleotide variant.
Coding change: c.1393A>C on transcript NM_004656.4 (MANE Select); coding-DNA position 1393, A replaced by C.
Protein change: p.Ile465Leu; replaces isoleucine 465 with leucine.
Molecular consequence: missense variant.
Genome position (GRCh38, 1-based): chr3:52,403,752, T>G on the plus strand (A>C on the coding strand, the complement: BAP1 is on the minus strand). VCF-style: chr3-52403752-T-G. GRCh37 (hg19) VCF-style: chr3-52437768-T-G.
Other names: c.1339A>C, p.Ile447Leu (NM_001410772.1); short protein forms I447L, I465L.
Identifiers: ClinVar variation 2682082 (VCV002682082.2), dbSNP rs150029305, ClinGen allele CA353101636.

ClinVar aggregate classification (germline): Uncertain significance. Review status: criteria provided, multiple submitters, no conflicts (2 of 4 stars). 2 submissions from 2 submitters: Uncertain significance (2). Last evaluated 2024-09-15.

Conditions:
Hereditary cancer-predisposing syndrome. Also called: Neoplastic Syndromes, Hereditary; Hereditary neoplastic syndrome; Tumor predisposition; Hereditary Cancer Syndrome. Identifiers: Orphanet 140162, MedGen C0027672, MeSH D009386, MONDO:0015356.

Submissions (2):

Ambry Genetics
Classification: Uncertain significance for Hereditary cancer-predisposing syndrome. Last evaluated: 2024-09-15. Review status: criteria provided, single submitter. Criteria: Ambry Variant Classification Scheme 2023. Collection method: clinical testing. Allele origin: germline.
Comment: The p.I465L variant (also known as c.1393A>C), located in coding exon 13 of the BAP1 gene, results from an A to C substitution at nucleotide position 1393. The isoleucine at codon 465 is replaced by leucine, an amino acid with highly similar properties. This amino acid position is conserved. In addition, this alteration is predicted to be tolerated by in silico analysis. Based on the available evidence, the clinical significance of this variant remains unclear.

Quest Diagnostics Nichols Institute San Juan Capistrano
Classification: Uncertain significance. Last evaluated: 2022-12-03. Review status: criteria provided, single submitter. Criteria: Quest Diagnostics criteria. Collection method: clinical testing. Allele origin: unknown.
Comment: This variant has not been reported in the published literature. It also has not been reported in large, multi-ethnic general populations. Analysis of this variant using bioinformatics tools for the prediction of the effect of amino acid changes on protein structure and function yielded predictions that this variant is benign. Additional analysis using software algorithms for the prediction of the effect of nucleotide changes on BAP1 mRNA splicing yielded predictions that this variant may result in the gain of a cryptic splice site without affecting the natural splice sites . Based on the available information, we are unable to determine the clinical significance of this variant.